The following is an entry in ClinVar:

NM_001035.3(RYR2):c.1926_1927delinsAAAGA (p.Leu643delinsLysIle)

Gene: RYR2 (ryanodine receptor 2; plus strand). Cytogenetic location: 1q43.
Variant type: Indel.
Coding change: c.1926_1927delinsAAAGA on transcript NM_001035.3 (MANE Select); coding-DNA positions 1926 to 1927, GT replaced by AAAGA.
Protein change: p.Leu643delinsLysIle.
Molecular consequence: inframe indel.
Genome position (GRCh38, 1-based): chr1:237,493,052-237,493,053, GT replaced by AAAGA. VCF-style: chr1-237493052-GT-AAAGA. GRCh37 (hg19) VCF-style: chr1-237656352-GT-AAAGA.
Identifiers: ClinVar variation 2774251 (VCV002774251.2), dbSNP rs2545803440, ClinGen allele CA913187659.

ClinVar aggregate classification (germline): Uncertain significance (1 of 4 stars; one submission).

Conditions:
Cardiomyopathy (CMYO). Also called: Cardiomyopathies. Identifiers: Orphanet 167848, MedGen C0878544, MONDO:0004994, HP:0001638. Inheritance: Various modes of inheritance.

Submission:

Color Diagnostics, LLC DBA Color Health
Classification: Uncertain significance for Cardiomyopathy. Last evaluated: 2019-04-23. Review status: criteria provided, single submitter. Criteria: ACMG Guidelines, 2015. Collection method: clinical testing. Allele origin: germline.
Comment: This variant replaces leucine at codon 643 of the RYR2 protein with lysine and isoleucine. To our knowledge, functional assays have not been performed for this variant. Computational splicing tools suggest that this variant may not impact RNA splicing. This variant has not been reported in individuals affected with cardiovascular disorders in the literature. This variant has not been identified in the general population by the Genome Aggregation Database (gnomAD). Available evidence is insufficient to determine the role of this variant in disease conclusively. Therefore, this variant is classified as a Variant of Uncertain Significance.